The following is an entry in ClinVar:

NM_001378156.1(C1QB):c.676G>A (p.Asp226Asn)

Gene: C1QB (complement C1q B chain; plus strand). Cytogenetic location: 1p36.12.
Variant type: single nucleotide variant.
Coding change: c.676G>A on transcript NM_001378156.1 (MANE Select); coding-DNA position 676, G replaced by A.
Protein change: p.Asp226Asn; replaces aspartic acid 226 with asparagine.
Molecular consequence: missense variant.
Genome position (GRCh38, 1-based): chr1:22,661,306, G>A. VCF-style: chr1-22661306-G-A. GRCh37 (hg19) VCF-style: chr1-22987799-G-A.
Other names: c.682G>A, p.Asp228Asn (NM_000491.5); c.676G>A, p.Asp226Asn (NM_001371184.3); short protein forms D228N, D226N.
Identifiers: ClinVar variation 1366209 (VCV001366209.5), dbSNP rs773663676, ClinGen allele CA678213.

ClinVar aggregate classification (germline): Uncertain significance (1 of 4 stars; one submission).

Allele frequency attached by ClinVar (database versions not stated): ExAC 0.00001; gnomAD exomes 0.00001; gnomAD 0.00001; TOPMed 0.00001.
gnomAD v4.1: 17 of 1,613,868 alleles (0.0011%); highest among the groups gnomAD compares: Admixed American, 0.0033%; no homozygotes.

Submission:

Labcorp Genetics (formerly Invitae), Labcorp
Classification: Uncertain significance. Last evaluated: 2022-12-06. Review status: criteria provided, single submitter. Criteria: Invitae Variant Classification Sherloc (09022015). Collection method: clinical testing. Allele origin: germline.
Comment: This variant is present in population databases (rs773663676, gnomAD 0.006%). This sequence change replaces aspartic acid, which is acidic and polar, with asparagine, which is neutral and polar, at codon 228 of the C1QB protein (p.Asp228Asn). This variant has not been reported in the literature in individuals affected with C1QB-related conditions. ClinVar contains an entry for this variant (Variation ID: 1366209). Advanced modeling of protein sequence and biophysical properties (such as structural, functional, and spatial information, amino acid conservation, physicochemical variation, residue mobility, and thermodynamic stability) performed at Invitae indicates that this missense variant is not expected to disrupt C1QB protein function. In summary, the available evidence is currently insufficient to determine the role of this variant in disease. Therefore, it has been classified as a Variant of Uncertain Significance.